The following is an entry in ClinVar:

ClinVar aggregate classification (germline): Uncertain significance (1 of 4 stars; one submission).

Conditions:
COG5-congenital disorder of glycosylation. Also called: CDG IIi; CONGENITAL DISORDER OF GLYCOSYLATION, TYPE IIi; COG5-CDG. Identifiers: Orphanet 263487, MedGen C3150876, MONDO:0013325, OMIM 613612.

Allele frequency attached by ClinVar (database versions not stated): gnomAD 0.00001; TOPMed 0.00001.
gnomAD v4.1: 2 of 1,613,244 alleles (0.00012%); highest among the groups gnomAD compares: Admixed American, 0.0017%; no homozygotes.

Submission:

Labcorp Genetics (formerly Invitae), Labcorp
Classification: Uncertain significance for COG5-congenital disorder of glycosylation. Last evaluated: 2022-04-04. Review status: criteria provided, single submitter. Criteria: Invitae Variant Classification Sherloc (09022015). Collection method: clinical testing. Allele origin: germline.
Comment: This sequence change replaces glycine, which is neutral and non-polar, with glutamic acid, which is acidic and polar, at codon 260 of the COG5 protein (p.Gly260Glu). This variant is not present in population databases (gnomAD no frequency). This variant has not been reported in the literature in individuals affected with COG5-related conditions. Algorithms developed to predict the effect of missense changes on protein structure and function are either unavailable or do not agree on the potential impact of this missense change (SIFT: "Tolerated"; PolyPhen-2: "Probably Damaging"; Align-GVGD: "Class C0"). In summary, the available evidence is currently insufficient to determine the role of this variant in disease. Therefore, it has been classified as a Variant of Uncertain Significance.

NM_006348.5(COG5):c.686G>A (p.Gly229Glu)

Gene: COG5 (component of oligomeric golgi complex 5; minus strand). Cytogenetic location: 7q22.3.
Variant type: single nucleotide variant.
Coding change: c.686G>A on transcript NM_006348.5 (MANE Select); coding-DNA position 686, G replaced by A.
Protein change: p.Gly229Glu; replaces glycine 229 with glutamic acid.
Molecular consequence: missense variant. On other transcripts: intron variant (2).
Genome position (GRCh38, 1-based): chr7:107,372,744, C>T on the plus strand (G>A on the coding strand, the complement: COG5 is on the minus strand). VCF-style: chr7-107372744-C-T. GRCh37 (hg19) VCF-style: chr7-107013189-C-T.
Other names: c.686G>A, p.Gly229Glu (NM_001161520.2, NM_001379511.1, NM_001379512.1 and 3 more transcripts); c.235-10634G>A (NM_001379516.1); c.539-74398G>A (NM_001379515.1); short protein forms G229E.
Identifiers: ClinVar variation 2176250 (VCV002176250.1), dbSNP rs995017230, ClinGen allele CA164705209.
Genomic context (GRCh38, chr7:107,372,744, plus strand): 5'-ACAACACTGGTAATAGTATCCTTCAAAGTTCCAAGATTATAGAAAACCTGAAGAGCTGTT[C>T]CGACTTGAGTTGGATTCTTAAAAAAAGGTGGGGTGGGGTGGAAACAGATATAAATAGGAA-3'
Protein context (NP_006339.4, residues 219-239): GLETQNPTQV[Gly229Glu]TALQVFYNLG